The following is an entry in ClinVar:

ClinVar aggregate classification (germline): Likely benign. Review status: criteria provided, multiple submitters, no conflicts (2 of 4 stars). 4 submissions from 4 submitters: Likely benign (4). Last evaluated 2025-08-17.

Conditions:
Cardiomyopathy (CMYO). Also called: Cardiomyopathies. Identifiers: Orphanet 167848, MedGen C0878544, MONDO:0004994, HP:0001638. Inheritance: Various modes of inheritance.
Hypertrophic cardiomyopathy. Also called: HYPERTROPHIC MYOCARDIOPATHY. Identifiers: Orphanet 217569, MedGen C0007194, MeSH D002312, MONDO:0005045, HP:0001639.

Allele frequency attached by ClinVar (database versions not stated): gnomAD exomes 0.00001; TOPMed 0.00001.
gnomAD v4.1: 5 of 1,612,574 alleles (0.00031%); highest among the groups gnomAD compares: Admixed American, 0.005%; no homozygotes.

Submissions (4):

Labcorp Genetics (formerly Invitae), Labcorp
Classification: Likely benign for Hypertrophic cardiomyopathy. Last evaluated: 2025-08-17. Review status: criteria provided, single submitter. Criteria: Invitae Variant Classification Sherloc (09022015). Collection method: clinical testing. Allele origin: germline.

All of Us Research Program, National Institutes of Health
Classification: Likely benign for Hypertrophic cardiomyopathy. Last evaluated: 2023-08-15. Review status: criteria provided, single submitter. Criteria: ACMG Guidelines, 2015. Collection method: clinical testing. Allele origin: germline. Inheritance: Autosomal dominant inheritance. Observed: 2 variant alleles, 2 heterozygotes.
Comment: This study involves interpretation of variants in research participants for the purpose of population health screening. Participant phenotype was not available at the time of variant classification. Additional details can be found in publication PMID: 35346344, PMCID: PMC8962531

Color Diagnostics, LLC DBA Color Health
Classification: Likely benign for Cardiomyopathy. Last evaluated: 2020-03-04. Review status: criteria provided, single submitter. Criteria: ACMG Guidelines, 2015. Collection method: clinical testing. Allele origin: germline.

GeneDx
Classification: Likely benign. Last evaluated: 2017-11-06. Review status: criteria provided, single submitter. Criteria: GeneDx Variant Classification (06012015). Collection method: clinical testing. Allele origin: germline. Affected: yes.
Comment: This variant is considered likely benign or benign based on one or more of the following criteria: it is a conservative change, it occurs at a poorly conserved position in the protein, it is predicted to be benign by multiple in silico algorithms, and/or has population frequency not consistent with disease.

NM_000256.3(MYBPC3):c.567C>G (p.Val189=)

Gene: MYBPC3 (myosin binding protein C3; minus strand). Cytogenetic location: 11p11.2.
Variant type: single nucleotide variant.
Coding change: c.567C>G on transcript NM_000256.3 (MANE Select); coding-DNA position 567, C replaced by G.
Protein change: p.Val189=; no amino-acid change (valine 189 retained).
Molecular consequence: synonymous variant.
Genome position (GRCh38, 1-based): chr11:47,349,861, G>C on the plus strand (C>G on the coding strand, the complement: MYBPC3 is on the minus strand). VCF-style: chr11-47349861-G-C. GRCh37 (hg19) VCF-style: chr11-47371412-G-C.
Other names: c.567C>G, p.Val189= (LRG_386t1).
Identifiers: ClinVar variation 513120 (VCV000513120.13), dbSNP rs1290069260, ClinGen allele CA474221652.